The following is an entry in ClinVar:

NM_130837.3(OPA1):c.485T>C (p.Leu162Pro)

Gene: OPA1 (OPA1 mitochondrial dynamin like GTPase; plus strand). Cytogenetic location: 3q29.
Variant type: single nucleotide variant.
Coding change: c.485T>C on transcript NM_130837.3 (MANE Select); coding-DNA position 485, T replaced by C.
Protein change: p.Leu162Pro; replaces leucine 162 with proline.
Molecular consequence: missense variant. On other transcripts: intron variant (5).
Genome position (GRCh38, 1-based): chr3:193,617,214, T>C. VCF-style: chr3-193617214-T-C. GRCh37 (hg19) VCF-style: chr3-193335003-T-C.
Other names: c.113T>C, p.Leu38Pro (NM_001354664.2); c.485T>C, p.Leu162Pro (NM_015560.3, NM_130834.3, NM_130836.3); c.76+1444T>C (NM_001354663.2); c.449-570T>C (NM_130835.3, NM_130832.3); c.448+1444T>C (NM_130833.3, NM_130831.3); short protein forms L162P, L38P.
Identifiers: ClinVar variation 4744438 (VCV004744438.1).

ClinVar aggregate classification (germline): Uncertain significance (1 of 4 stars; one submission).

Submission:

Labcorp Genetics (formerly Invitae), Labcorp
Classification: Uncertain significance. Last evaluated: 2025-10-21. Review status: criteria provided, single submitter. Criteria: Invitae Variant Classification Sherloc (09022015). Collection method: clinical testing. Allele origin: germline.
Comment: This sequence change replaces leucine, which is neutral and non-polar, with proline, which is neutral and non-polar, at codon 162 of the OPA1 protein (p.Leu162Pro). This variant is not present in population databases (gnomAD no frequency). This variant has not been reported in the literature in individuals affected with OPA1-related conditions. Invitae Evidence Modeling of protein sequence and biophysical properties (such as structural, functional, and spatial information, amino acid conservation, physicochemical variation, residue mobility, and thermodynamic stability) indicates that this missense variant is not expected to disrupt OPA1 protein function with a negative predictive value of 80%. In summary, the available evidence is currently insufficient to determine the role of this variant in disease. Therefore, it has been classified as a Variant of Uncertain Significance.